The following is an entry in ClinVar:

ClinVar aggregate classification (germline): Benign/Likely benign. Review status: criteria provided, multiple submitters, no conflicts (2 of 4 stars). 2 submissions from 2 submitters: Benign (1); Likely benign (1). Last evaluated 2025-05-27.

Conditions:
Tuberous sclerosis 2 (TSC2). Identifiers: Orphanet 805, MedGen C1860707, MONDO:0013199, OMIM 613254.

Submissions (2):

Myriad Genetics, Inc.
Classification: Benign for Tuberous sclerosis 2. Last evaluated: 2025-05-27. Review status: criteria provided, single submitter. Criteria: Myriad Autosomal Dominant, Autosomal Recessive and X-Linked Classification Criteria (2023). Collection method: clinical testing. Allele origin: unknown.
Comment: This variant is considered benign. This variant is a silent/synonymous amino acid change and it is not expected to impact splicing.

Labcorp Genetics (formerly Invitae), Labcorp
Classification: Likely benign for Tuberous sclerosis 2. Last evaluated: 2017-09-07. Review status: criteria provided, single submitter. Criteria: Invitae Variant Classification Sherloc (09022015). Collection method: clinical testing. Allele origin: germline.

NM_000548.5(TSC2):c.2961C>A (p.Val987=)

Gene: TSC2 (TSC complex subunit 2; plus strand). Cytogenetic location: 16p13.3.
Variant type: single nucleotide variant.
Coding change: c.2961C>A on transcript NM_000548.5 (MANE Select); coding-DNA position 2961, C replaced by A.
Protein change: p.Val987=; no amino-acid change (valine 987 retained).
Molecular consequence: synonymous variant. On other transcripts: intron variant (9).
Genome position (GRCh38, 1-based): chr16:2,077,721, C>A. VCF-style: chr16-2077721-C-A. GRCh37 (hg19) VCF-style: chr16-2127722-C-A.
Other names: c.2961C>A, p.Val987= (NM_001114382.3); c.2837+1136C>A (NM_021055.3, NM_001370405.1, NM_001363528.2 and 2 more transcripts); c.2726+1136C>A (NM_001318827.2); c.2237+1136C>A (NM_001318831.2); c.2690+1136C>A (NM_001318829.2); c.2870+1136C>A (NM_001318832.2).
Identifiers: ClinVar variation 536014 (VCV000536014.9), dbSNP rs775637322, ClinGen allele CA492954987.
Genomic context (GRCh38, chr16:2,077,721, plus strand): 5'-GGAGAGCTCTGCAGCCGAGGCCTTCCGGTGCCGCAGCATCAGTGTGTCTGAACATGTGGT[C>A]CGCAGGTAGCGGGACTGTCGGGTGGGGGGCACGGACCCTGGAGCTTGGCCCCGTGAGCAC-3'
Protein context (NP_000539.2, residues 977-997): CRSISVSEHV[Val987=]RSRIQTSLTS